The following is an entry in ClinVar:

NM_003193.5(TBCE):c.629T>C (p.Val210Ala)

Gene: TBCE (tubulin folding cofactor E; plus strand). Cytogenetic location: 1q42.3.
Variant type: single nucleotide variant.
Coding change: c.629T>C on transcript NM_003193.5 (MANE Select); coding-DNA position 629, T replaced by C.
Protein change: p.Val210Ala; replaces valine 210 with alanine.
Molecular consequence: missense variant.
Genome position (GRCh38, 1-based): chr1:235,430,773, T>C. VCF-style: chr1-235430773-T-C. GRCh37 (hg19) VCF-style: chr1-235594088-T-C.
Other names: c.629T>C, p.Val210Ala (NM_001079515.3, NM_001287801.2); c.290T>C, p.Val97Ala (NM_001287802.2); c.629T>C (NM_003193.3); short protein forms V210A, V97A.
Identifiers: ClinVar variation 1949113 (VCV001949113.3), dbSNP rs1681039641, ClinGen allele CA344933483.

ClinVar aggregate classification (germline): Uncertain significance. Review status: criteria provided, multiple submitters, no conflicts (2 of 4 stars). 2 submissions from 2 submitters: Uncertain significance (2). Last evaluated 2025-02-22.

Conditions:
Inborn genetic diseases. Identifiers: MedGen C0950123, MeSH D030342.

Allele frequency attached by ClinVar (database versions not stated): gnomAD exomes below 0.00001; gnomAD 0.00001; TOPMed 0.00001.
gnomAD v4.1: 7 of 1,613,702 alleles (0.00043%); highest among the groups gnomAD compares: Middle Eastern, 0.016%; no homozygotes.

Submissions (2):

Ambry Genetics
Classification: Uncertain significance for Inborn genetic diseases. Last evaluated: 2025-02-22. Review status: criteria provided, single submitter. Criteria: Ambry Variant Classification Scheme 2023. Collection method: clinical testing. Allele origin: germline.

Labcorp Genetics (formerly Invitae), Labcorp
Classification: Uncertain significance. Last evaluated: 2022-07-03. Review status: criteria provided, single submitter. Criteria: Invitae Variant Classification Sherloc (09022015). Collection method: clinical testing. Allele origin: germline.
Comment: This sequence change replaces valine, which is neutral and non-polar, with alanine, which is neutral and non-polar, at codon 210 of the TBCE protein (p.Val210Ala). This variant is not present in population databases (gnomAD no frequency). This variant has not been reported in the literature in individuals affected with TBCE-related conditions. Algorithms developed to predict the effect of missense changes on protein structure and function (SIFT, PolyPhen-2, Align-GVGD) all suggest that this variant is likely to be tolerated. In summary, the available evidence is currently insufficient to determine the role of this variant in disease. Therefore, it has been classified as a Variant of Uncertain Significance.